The following is an entry in ClinVar:

ClinVar aggregate classification (germline): Uncertain significance (1 of 4 stars; one submission).

Submission:

Labcorp Genetics (formerly Invitae), Labcorp
Classification: Uncertain significance. Last evaluated: 2025-03-31. Review status: criteria provided, single submitter. Criteria: Invitae Variant Classification Sherloc (09022015). Collection method: clinical testing. Allele origin: germline.
Comment: This sequence change falls in intron 5 of the DIABLO gene. It does not directly change the encoded amino acid sequence of the DIABLO protein. It affects a nucleotide within the consensus splice site. This variant is present in population databases (rs767503830, gnomAD 0.004%). This variant has not been reported in the literature in individuals affected with DIABLO-related conditions. Variants that disrupt the consensus splice site are a relatively common cause of aberrant splicing (PMID: 17576681, 9536098). Algorithms developed to predict the effect of sequence changes on RNA splicing suggest that this variant is not likely to affect RNA splicing. In summary, the available evidence is currently insufficient to determine the role of this variant in disease. Therefore, it has been classified as a Variant of Uncertain Significance.

Literature cited by the submitters: PubMed 17576681; PubMed 9536098.

NM_001371333.1(DIABLO):c.427-3T>C

Gene: DIABLO (diablo IAP-binding mitochondrial protein; minus strand). Cytogenetic location: 12q24.31.
Variant type: single nucleotide variant.
Coding change: c.427-3T>C on transcript NM_001371333.1 (MANE Select); 3 bases into the intron before coding-DNA position 427, T replaced by C.
Molecular consequence: intron variant.
Genome position (GRCh38, 1-based): chr12:122,216,587, A>G on the plus strand (T>C on the coding strand, the complement: DIABLO is on the minus strand). VCF-style: chr12-122216587-A-G. GRCh37 (hg19) VCF-style: chr12-122701134-A-G.
Other names: c.208-3T>C (NM_001278303.1); c.295-3T>C (NM_001278342.1); c.136-3T>C (NM_001278302.1); c.268-3T>C (NM_138930.3, NM_001278304.2); c.427-3T>C (NM_019887.6).
Identifiers: ClinVar variation 4749052 (VCV004749052.1).